The following is an entry in ClinVar:

NM_000059.4(BRCA2):c.7133C>G (p.Ser2378Ter)

Gene: BRCA2 (BRCA2 DNA repair associated; plus strand). Cytogenetic location: 13q13.1.
Variant type: single nucleotide variant.
Coding change: c.7133C>G on transcript NM_000059.4 (MANE Select); coding-DNA position 7133, C replaced by G.
Protein change: p.Ser2378Ter; replaces serine 2378 with a stop codon.
Molecular consequence: nonsense.
Genome position (GRCh38, 1-based): chr13:32,354,986, C>G. VCF-style: chr13-32354986-C-G. GRCh37 (hg19) VCF-style: chr13-32929123-C-G.
Other names: 7361C>G; short protein forms S2378*.
Identifiers: ClinVar variation 38085 (VCV000038085.34), dbSNP rs276174889, ClinGen allele CA024895.

ClinVar aggregate classification (germline): Pathogenic. Review status: reviewed by expert panel (3 of 4 stars). 13 submissions from 13 submitters: Pathogenic (1). 12 of the submissions do not count toward it. Last evaluated 2016-04-22.

Conditions:
Pancreatic cancer, susceptibility to, 2. Identifiers: Orphanet 1333, MedGen C3150546, MONDO:0013235, OMIM 613347.
Glioma susceptibility 3 (GLM3). Also called: Glioblastoma 3. Identifiers: Orphanet 182067, Orphanet 360, MedGen C2751641, MONDO:0013093, OMIM 613029.
Familial prostate cancer. Also called: Hereditary Prostate Cancer. Identifiers: MedGen C2931456, MONDO:0700275, OMIM 176807.
Breast-ovarian cancer, familial, susceptibility to, 2 (BROVCA2). Also called: BRCA2 Hereditary Breast and Ovarian Cancer. Identifiers: Orphanet 145, MedGen C2675520, MONDO:0012933, OMIM 612555. Disease mechanism: loss of function.
Fanconi anemia complementation group D1. Also called: BRCA2-Related Fanconi Anemia. Identifiers: Orphanet 319462, MedGen C1838457, MONDO:0011584, OMIM 605724.
Medulloblastoma (MDB). Also called: Medulloblastoma, somatic; MEDULLOBLASTOMA PREDISPOSITION SYNDROME. Identifiers: Orphanet 616, MedGen C0025149, MeSH D008527, MONDO:0007959, OMIM 155255, HP:0002885.
Wilms tumor 1 (WT1). Also called: Wilms tumor, somatic. Identifiers: Orphanet 654, MedGen CN033288, MONDO:0008679, OMIM 194070.
Familial cancer of breast. Also called: BREAST CANCER, FAMILIAL; hereditary breast carcinoma; Hereditary breast cancer. Identifiers: Orphanet 227535, MedGen C0346153, MONDO:0016419, OMIM 114480. Disease mechanism: loss of function.
Hereditary cancer-predisposing syndrome. Also called: Neoplastic Syndromes, Hereditary; Tumor predisposition; Hereditary Cancer Syndrome; Hereditary neoplastic syndrome. Identifiers: Orphanet 140162, MedGen C0027672, MeSH D009386, MONDO:0015356.
Rhabdomyosarcoma. Also called: Rhabdomyosarcoma (disease). Identifiers: Orphanet 780, MedGen C0035412, MeSH D012208, MONDO:0005212, HP:0002859.
Hereditary breast ovarian cancer syndrome. Also called: Breast and ovarian cancer; Hereditary breast and ovarian cancer; Hereditary breast and ovarian cancer syndrome (HBOC); Hereditary breast and ovarian cancer syndrome; BRCA1- and BRCA2-Associated Hereditary Breast and Ovarian Cancer; Hereditary breast and/or ovarian cancer syndrome. Identifiers: Orphanet 145, MedGen C0677776, MeSH D061325, MONDO:0003582. Disease mechanism: loss of function.

Submissions (13):

Evidence-based Network for the Interpretation of Germline Mutant Alleles (ENIGMA)
Classification: Pathogenic for Breast-ovarian cancer, familial, susceptibility to, 2. Last evaluated: 2016-04-22. Review status: reviewed by expert panel. Criteria: ENIGMA BRCA1/2 Classification Criteria (2015). Collection method: curation. Allele origin: germline.
Comment: Variant allele predicted to encode a truncated non-functional protein.

Labcorp Genetics (formerly Invitae), Labcorp
Classification: Pathogenic for Hereditary breast ovarian cancer syndrome. Last evaluated: 2025-12-05. Review status: criteria provided, single submitter. Criteria: Invitae Variant Classification Sherloc (09022015). Collection method: clinical testing. Allele origin: germline. Not counted in ClinVar's aggregate classification.
Comment: This sequence change creates a premature translational stop signal (p.Ser2378*) in the BRCA2 gene. It is expected to result in an absent or disrupted protein product. Loss-of-function variants in BRCA2 are known to be pathogenic (PMID: 20104584). This variant is not present in population databases (gnomAD no frequency). This premature translational stop signal has been observed in individual(s) with breast and/or ovarian cancer (PMID: 21520333, 27157322). ClinVar contains an entry for this variant (Variation ID: 38085). For these reasons, this variant has been classified as Pathogenic.

Ambry Genetics
Classification: Pathogenic for Hereditary cancer-predisposing syndrome. Last evaluated: 2025-10-10. Review status: criteria provided, single submitter. Criteria: Ambry Variant Classification Scheme 2023. Collection method: clinical testing. Allele origin: germline. Not counted in ClinVar's aggregate classification.
Comment: The p.S2378* pathogenic mutation (also known as c.7133C>G), located in coding exon 13 of the BRCA2 gene, results from a C to G substitution at nucleotide position 7133. This changes the amino acid from a serine to a stop codon within coding exon 13. This mutation was identified in a total of 7 Asian families with HBOC (Rebbeck TR et al. Hum. Mutat., 2018 May;39:593-620). In addition to the clinical data presented in the literature, this alteration is expected to result in loss of function by premature protein truncation or nonsense-mediated mRNA decay. As such, this alteration is interpreted as a disease-causing mutation.

Quest Diagnostics Nichols Institute San Juan Capistrano
Classification: Pathogenic. Last evaluated: 2025-04-16. Review status: criteria provided, single submitter. Criteria: Quest Diagnostics criteria. Collection method: clinical testing. Allele origin: unknown. Not counted in ClinVar's aggregate classification.
Comment: The BRCA2 c.7133C>G (p.Ser2378*) variant causes the premature termination of BRCA2 protein synthesis. This variant has been reported in the published literature in individuals affected with breast and/or ovarian cancer (PMID: 24578176 (2014), 27157322 (2016), 34254208 (2021)), pancreatic ductal adenocarcinoma (PDAC) (PMID: 32255556 (2020)), and embryonal rhabdomyosarcoma (ERMS) (PMID: 33372952 (2020)). Functional studies also described this variant as being non-functional based on cell viability and drug sensitivities (PMID: 37922907 (2023)). This variant has not been reported in large, multi-ethnic general populations (Genome Aggregation Database). Based on the available information, this variant is classified as pathogenic.

Baylor Genetics
Classification: Pathogenic for Familial cancer of breast. Last evaluated: 2024-01-22. Review status: criteria provided, single submitter. Criteria: ACMG Guidelines, 2015. Collection method: clinical testing. Allele origin: unknown. Not counted in ClinVar's aggregate classification.

GeneDx
Classification: Pathogenic. Last evaluated: 2022-01-07. Review status: criteria provided, single submitter. Criteria: GeneDx Variant Classification Process June 2021. Collection method: clinical testing. Allele origin: germline. Affected: yes. Not counted in ClinVar's aggregate classification.
Comment: Nonsense variant predicted to result in protein truncation or nonsense mediated decay in a gene for which loss-of-function is a known mechanism of disease; Identified in patients with a personal or family history consistent with pathogenic variants in this gene in published literature (Wong 2015, Kwong 2016, Li 2019, Liu 2021); Not observed at significant frequency in large population cohorts (gnomAD); Truncating variants in this gene are considered pathogenic by a well-established clinical consortium and/or database; Also known as 7361C>G; This variant is associated with the following publications: (PMID: 29446198, 10923033, 21702907, 24578176, 27157322, 30702160, 29752822, 26221963, 34680387, 33461583, 32255556, 31825140, 32719484, 30787465)

Color Diagnostics, LLC DBA Color Health
Classification: Pathogenic for Hereditary cancer-predisposing syndrome. Last evaluated: 2022-01-04. Review status: criteria provided, single submitter. Criteria: ACMG Guidelines, 2015. Collection method: clinical testing. Allele origin: germline. Not counted in ClinVar's aggregate classification.
Comment: This variant changes 1 nucleotide in exon 14 of the BRCA2 gene, creating a premature translation stop signal. This variant is expected to result in an absent or non-functional protein product. This variant has been reported in at least two individuals affected with breast cancer and in suspected hereditary breast and ovarian cancer families (PMID: 24578176, 26187060, 26221963, 27157322, 33471991; Leiden Open Variation Database DB-ID BRCA2_003628) and an individual affected with pediatric rhabdomyosarcoma (PMID: 33372952). This variant has not been identified in the general population by the Genome Aggregation Database (gnomAD). Loss of BRCA2 function is a known mechanism of disease. Based on the available evidence, this variant is classified as Pathogenic.

Women's Health and Genetics/Laboratory Corporation of America, LabCorp
Classification: Pathogenic for Hereditary breast ovarian cancer syndrome. Last evaluated: 2017-04-04. Review status: criteria provided, single submitter. Criteria: LabCorp Variant Classification Summary - May 2015. Collection method: clinical testing. Allele origin: germline. Not counted in ClinVar's aggregate classification.
Comment: Variant summary: The c.7133C>G (p.Ser2378*) in BRCA2 gene is gene is a nonsense change predicted cause loss of normal protein function through either protein truncation or nonsense-mediated mRNA decay. The variant is absent from the large control population datasets of ExAC and gnomAD (0/121342 and 0/245968 chrs tested, respectively). The variant has been reported in several affected individuals with personal and/or family history of cancer. In addition, multiple reputable databases/clinical laboratories cite the variant as Pathogenic. Taking together, the variant of interest was classified as Pathogenic.

Consortium of Investigators of Modifiers of BRCA1/2 (CIMBA), c/o University of Cambridge
Classification: Pathogenic for Breast-ovarian cancer, familial, susceptibility to, 2. Last evaluated: 2015-10-02. Review status: criteria provided, single submitter. Criteria: CIMBA Mutation Classification guidelines May 2016. Collection method: clinical testing. Allele origin: germline. Not counted in ClinVar's aggregate classification.

Juno Genomics, Hangzhou Juno Genomics, Inc
Classification: Pathogenic for Familial cancer of breast; Breast-ovarian cancer, familial, susceptibility to, 2; Glioma susceptibility 3; Medulloblastoma; Pancreatic cancer, susceptibility to, 2; Familial prostate cancer; Fanconi anemia complementation group D1; Wilms tumor 1. Review status: criteria provided, single submitter. Criteria: ACMG Guidelines, 2015. Collection method: clinical testing. Allele origin: germline. Not counted in ClinVar's aggregate classification.
Comment: Null variant in a gene where loss of function (LOF) is a known mechanism of disease.;Novel missense change at an amino acid residue where a different missense change determined to be pathogenic has been seen before.

Human Genome Sequencing Center Clinical Lab, Baylor College of Medicine
Classification: Pathogenic for Rhabdomyosarcoma. Last evaluated: 2020-09-01. Review status: no assertion criteria provided. Collection method: provider interpretation. Allele origin: germline. Affected: yes. Not counted in ClinVar's aggregate classification.

Sharing Clinical Reports Project (SCRP)
Classification: Pathogenic for Breast-ovarian cancer, familial 2. Last evaluated: 2011-06-28. Review status: no assertion criteria provided. Collection method: clinical testing. Allele origin: germline. Not counted in ClinVar's aggregate classification.

Breast Cancer Information Core (BIC) (BRCA2)
Classification: Pathogenic for Breast-ovarian cancer, familial 2. Last evaluated: 2010-09-18. Review status: no assertion criteria provided. Collection method: clinical testing. Allele origin: germline. Affected: yes. Observed: 1 variant allele. Not counted in ClinVar's aggregate classification.

Literature cited by the submitters: PubMed 20104584 (cited by Labcorp Genetics (formerly Invitae), Labcorp); PubMed 21520333 (cited by Labcorp Genetics (formerly Invitae), Labcorp); PubMed 27157322 (cited by 4 submitters); PubMed 29446198 (cited by Ambry Genetics); PubMed 32255556 (cited by Quest Diagnostics Nichols Institute San Juan Capistrano); PubMed 24578176 (cited by 3 submitters); PubMed 33372952 (cited by 3 submitters); PubMed 34254208 (cited by Quest Diagnostics Nichols Institute San Juan Capistrano); PubMed 37922907 (cited by Quest Diagnostics Nichols Institute San Juan Capistrano); PubMed 38201484 (cited by Quest Diagnostics Nichols Institute San Juan Capistrano); PubMed 21702907 (cited by Quest Diagnostics Nichols Institute San Juan Capistrano and Women's Health and Genetics/Laboratory Corporation of America, LabCorp); PubMed 26187060 (cited by Color Diagnostics, LLC DBA Color Health); PubMed 26221963 (cited by Color Diagnostics, LLC DBA Color Health and Women's Health and Genetics/Laboratory Corporation of America, LabCorp); PubMed 33471991 (cited by Color Diagnostics, LLC DBA Color Health); PubMed 21465317 (cited by Women's Health and Genetics/Laboratory Corporation of America, LabCorp).